The following is an entry in ClinVar:

ClinVar aggregate classification (germline): Uncertain significance (1 of 4 stars; one submission).

Conditions:
CHARGE syndrome (CHARGE). Also called: Hittner Hirsch Kreh syndrome; CHARGE ASSOCIATION--COLOBOMA, HEART ANOMALY, CHOANAL ATRESIA, RETARDATION, GENITAL AND EAR ANOMALIES; Coloboma, heart anomaly, choanal atresia, retardation, genital and ear anomalies; CHARGE association; Hall-Hittner syndrome. Identifiers: Orphanet 138, MedGen C0265354, MONDO:0008965.

Submission:

Labcorp Genetics (formerly Invitae), Labcorp
Classification: Uncertain significance for CHARGE syndrome. Last evaluated: 2025-12-29. Review status: criteria provided, single submitter. Criteria: Invitae Variant Classification Sherloc (09022015). Collection method: clinical testing. Allele origin: germline.
Comment: This sequence change replaces glutamic acid, which is acidic and polar, with aspartic acid, which is acidic and polar, at codon 639 of the CHD7 protein (p.Glu639Asp). This variant is not present in population databases (gnomAD no frequency). This variant has not been reported in the literature in individuals affected with CHD7-related conditions. Invitae Evidence Modeling of protein sequence and biophysical properties (such as structural, functional, and spatial information, amino acid conservation, physicochemical variation, residue mobility, and thermodynamic stability) indicates that this missense variant is not expected to disrupt CHD7 protein function with a negative predictive value of 95%. In summary, the available evidence is currently insufficient to determine the role of this variant in disease. Therefore, it has been classified as a Variant of Uncertain Significance.

NM_017780.4(CHD7):c.1917A>T (p.Glu639Asp)

Genes: CHD7 (chromodomain helicase DNA binding protein 7; plus strand), LOC126860403 (CDK7 strongly-dependent group 2 enhancer GRCh37_chr8:61693034-61694233; plus strand). Cytogenetic location: 8q12.2.
Variant type: single nucleotide variant.
Coding change: c.1917A>T on transcript NM_017780.4 (MANE Select); coding-DNA position 1917, A replaced by T.
Protein change: p.Glu639Asp; replaces glutamic acid 639 with aspartic acid.
Molecular consequence: missense variant. On other transcripts: intron variant (1).
Genome position (GRCh38, 1-based): chr8:60,781,251, A>T. VCF-style: chr8-60781251-A-T. GRCh37 (hg19) VCF-style: chr8-61693810-A-T.
Other names: c.1716+201A>T (NM_001316690.1); short protein forms E639D.
Identifiers: ClinVar variation 4746283 (VCV004746283.1).
Genomic context (GRCh38, chr8:60,781,251, plus strand): 5'-CTTCCCTGGTGGGGTAGATAACCAAGAACTAAATAGGAACTCACTGGATGGGTCCCAAGA[A>T]GAAAAAAAGAAAAAGAAAAGGTCAAAGGCAAAAAAAGACCCGAAGGAACCGAAAGAACCC-3'
Protein context (NP_060250.2, residues 629-649): LNRNSLDGSQ[Glu639Asp]EKKKKKRSKA